The following is an entry in ClinVar:

ClinVar aggregate classification (germline): Conflicting classifications of pathogenicity. Review status: criteria provided, conflicting classifications (1 of 4 stars). 4 submissions from 4 submitters: Uncertain significance (3); Likely benign (1). Last evaluated 2026-01-28.

Conditions:
Inborn genetic diseases. Identifiers: MedGen C0950123, MeSH D030342.

Allele frequency attached by ClinVar (database versions not stated): ESP Exome Variant Server 0.00038.
gnomAD v4.1: 322 of 1,614,028 alleles (0.02%); highest among the groups gnomAD compares: Admixed American, 0.022%; no homozygotes.

Submissions (4):

Labcorp Genetics (formerly Invitae), Labcorp
Classification: Likely benign. Last evaluated: 2026-01-28. Review status: criteria provided, single submitter. Criteria: Invitae Variant Classification Sherloc (09022015). Collection method: clinical testing. Allele origin: germline.

Blueprint Genetics
Classification: Uncertain significance. Last evaluated: 2024-11-24. Review status: criteria provided, single submitter. Criteria: ACMG Guidelines, 2015. Collection method: clinical testing. Allele origin: germline.

Ambry Genetics
Classification: Uncertain significance for Inborn genetic diseases. Last evaluated: 2024-03-07. Review status: criteria provided, single submitter. Criteria: Ambry Variant Classification Scheme 2023. Collection method: clinical testing. Allele origin: germline.

GeneDx
Classification: Uncertain significance. Last evaluated: 2023-02-07. Review status: criteria provided, single submitter. Criteria: GeneDx Variant Classification Process June 2021. Collection method: clinical testing. Allele origin: germline. Affected: yes.
Comment: Has not been previously published as pathogenic or benign to our knowledge; In silico analysis supports that this missense variant does not alter protein structure/function

NM_001371986.1(UNC80):c.398G>C (p.Gly133Ala)

Gene: UNC80 (unc-80 subunit of NALCN channel complex; plus strand). Cytogenetic location: 2q34.
Variant type: single nucleotide variant.
Coding change: c.398G>C on transcript NM_001371986.1 (MANE Select); coding-DNA position 398, G replaced by C.
Protein change: p.Gly133Ala; replaces glycine 133 with alanine.
Molecular consequence: missense variant.
Genome position (GRCh38, 1-based): chr2:209,777,357, G>C. VCF-style: chr2-209777357-G-C. GRCh37 (hg19) VCF-style: chr2-210642081-G-C.
Other names: c.398G>C, p.Gly133Ala (NM_032504.2, NM_182587.4); c.398G>C (NM_032504.1); short protein forms G133A.
Identifiers: ClinVar variation 1372385 (VCV001372385.8), dbSNP rs138421862, ClinGen allele CA2082738.